The following is an entry in ClinVar:

ClinVar aggregate classification (germline): Uncertain significance (1 of 4 stars; one submission).

Conditions:
Kabuki syndrome. Also called: Kabuki make-up syndrome; NIIKAWA-KUROKI SYNDROME. Identifiers: Orphanet 2322, MedGen C0796004, MONDO:0016512.

Submission:

Labcorp Genetics (formerly Invitae), Labcorp
Classification: Uncertain significance for Kabuki syndrome. Last evaluated: 2023-11-27. Review status: criteria provided, single submitter. Criteria: Invitae Variant Classification Sherloc (09022015). Collection method: clinical testing. Allele origin: germline.
Comment: This sequence change replaces glutamic acid, which is acidic and polar, with lysine, which is basic and polar, at codon 2225 of the KMT2D protein (p.Glu2225Lys). This variant is not present in population databases (gnomAD no frequency). This variant has not been reported in the literature in individuals affected with KMT2D-related conditions. Advanced modeling of protein sequence and biophysical properties (such as structural, functional, and spatial information, amino acid conservation, physicochemical variation, residue mobility, and thermodynamic stability) performed at Invitae indicates that this missense variant is not expected to disrupt KMT2D protein function with a negative predictive value of 95%. In summary, the available evidence is currently insufficient to determine the role of this variant in disease. Therefore, it has been classified as a Variant of Uncertain Significance.

NM_003482.4(KMT2D):c.6673G>A (p.Glu2225Lys)

Gene: KMT2D (lysine methyltransferase 2D; minus strand). Cytogenetic location: 12q13.12.
Variant type: single nucleotide variant.
Coding change: c.6673G>A on transcript NM_003482.4 (MANE Select); coding-DNA position 6673, G replaced by A.
Protein change: p.Glu2225Lys; replaces glutamic acid 2225 with lysine.
Molecular consequence: missense variant.
Genome position (GRCh38, 1-based): chr12:49,041,097, C>T on the plus strand (G>A on the coding strand, the complement: KMT2D is on the minus strand). VCF-style: chr12-49041097-C-T. GRCh37 (hg19) VCF-style: chr12-49434880-C-T.
Other names: short protein forms E2225K.
Identifiers: ClinVar variation 2858059 (VCV002858059.3), dbSNP rs2120541474, ClinGen allele CA384750097.
Genomic context (GRCh38, chr12:49,041,097, plus strand): 5'-GGAATGGGTCAGGTGTGGAGGGCTGGTGTCTGGGGGTGCCAGGTGGGGTAGTGTGGAATT[C>T]CCCTGGCTGGCCAGCCCCAGGACGAGATGAGGCGCCCAGCATCGGGGGCTGCGCAGGGGC-3'
Protein context (NP_003473.3, residues 2215-2235): SSRPGAGQPG[Glu2225Lys]FHTTPPGTPR